The following is an entry in ClinVar:

ClinVar aggregate classification (germline): Uncertain significance (1 of 4 stars; one submission).

Conditions:
Chondrodysplasia punctata, brachytelephalangic, autosomal. Also called: BRACHYTELEPHALANGIC CHONDRODYSPLASIA PUNCTATA. Identifiers: MedGen C1844853, MONDO:0011238, OMIM 602497.

Submission:

Labcorp Genetics (formerly Invitae), Labcorp
Classification: Uncertain significance for Chondrodysplasia punctata, brachytelephalangic, autosomal. Last evaluated: 2022-10-24. Review status: criteria provided, single submitter. Criteria: Invitae Variant Classification Sherloc (09022015). Collection method: clinical testing. Allele origin: germline.
Comment: A copy number gain of the genomic region encompassing the full coding sequence of the ARSE gene has been identified. The boundaries of this event are unknown as they extend beyond the assayed region for this gene and therefore may encompass additional genes. As the precise location of this event is unknown, it may be in tandem or it may be located elsewhere in the genome. This variant has not been reported in the literature in individuals affected with ARSE-related conditions. In summary, the available evidence is currently insufficient to determine the role of this variant in disease. Therefore, it has been classified as a Variant of Uncertain Significance.

NC_000023.10:g.(?_2838622)_(2878441_?)dup

Genes: ARSD (arylsulfatase D; minus strand), ARSL (arylsulfatase L; minus strand). Cytogenetic location: Xp22.33.
Variant type: Duplication.
Identifiers: ClinVar variation 2422195 (VCV002422195.3).